The following is an entry in ClinVar:

NM_000237.3(LPL):c.*1142C>T

Gene: LPL (lipoprotein lipase; plus strand). Cytogenetic location: 8p21.3.
Variant type: single nucleotide variant.
Coding change: c.*1142C>T on transcript NM_000237.3 (MANE Select); 1142 bases downstream of the stop codon, C replaced by T.
Molecular consequence: 3 prime UTR variant.
Genome position (GRCh38, 1-based): chr8:19,966,452, C>T. VCF-style: chr8-19966452-C-T. GRCh37 (hg19) VCF-style: chr8-19823963-C-T.
Identifiers: ClinVar variation 362436 (VCV000362436.9), dbSNP rs1059507, ClinGen allele CA10627399.

ClinVar aggregate classification (germline): Benign. Review status: criteria provided, multiple submitters, no conflicts (2 of 4 stars). 3 submissions from 3 submitters: Benign (3). Last evaluated 2020-05-08.

Conditions:
Hyperlipoproteinemia, type I. Also called: Lipoprotein Lipase Deficiency; Lipase D deficiency; Familial hyperlipo-proteinemia type 1; Hyperlipemia essential familial; Familial Lipoprotein Lipase Deficiency; Hyperlipoproteinemia type 1. Identifiers: Orphanet 309015, Orphanet 444490, MedGen C0023817, MONDO:0009387, OMIM 238600. Disease mechanism: loss of function.

Allele frequency attached by ClinVar (database versions not stated): 1000 Genomes Project 30x 0.12680; TOPMed 0.14376; gnomAD 0.14544 and 0.14467; 1000 Genomes Project 0.12640.

Submissions (3):

GeneDx
Classification: Benign. Last evaluated: 2020-05-08. Review status: criteria provided, single submitter. Criteria: GeneDx Variant Classification Process June 2021. Collection method: clinical testing. Allele origin: germline. Affected: yes.

Illumina Laboratory Services, Illumina
Classification: Benign for Hyperlipoproteinemia, type I. Last evaluated: 2018-01-12. Review status: criteria provided, single submitter. Criteria: ICSL Variant Classification Criteria 13 December 2019. Collection method: clinical testing. Allele origin: germline.
Comment: This variant was observed in the ICSL laboratory as part of a predisposition screen in an ostensibly healthy population. It had not been previously curated by ICSL or reported in the Human Gene Mutation Database (HGMD: prior to June 1st, 2018), and was therefore a candidate for classification through an automated scoring system. Utilizing variant allele frequency, disease prevalence and penetrance estimates, and inheritance mode, an automated score was calculated to assess if this variant is too frequent to cause the disease. Based on the score and internal cut-off values, a variant classified as benign is not then subjected to further curation. The score for this variant resulted in a classification of benign for this disease.

Breakthrough Genomics
Classification: Benign. Review status: criteria provided, single submitter. Criteria: ACMG Guidelines, 2015. Collection method: not provided. Allele origin: germline. Inheritance: Autosomal recessive inheritance. Affected: yes.